The following is an entry in ClinVar:

NM_000297.4(PKD2):c.2523-3C>A

Gene: PKD2 (polycystin 2, transient receptor potential cation channel; plus strand). Cytogenetic location: 4q22.1.
Variant type: single nucleotide variant.
Coding change: c.2523-3C>A on transcript NM_000297.4 (MANE Select); 3 bases into the intron before coding-DNA position 2523, C replaced by A.
Molecular consequence: intron variant.
Genome position (GRCh38, 1-based): chr4:88,074,809, C>A. VCF-style: chr4-88074809-C-A. GRCh37 (hg19) VCF-style: chr4-88995961-C-A.
Identifiers: ClinVar variation 2754721 (VCV002754721.3), dbSNP rs375156891, ClinGen allele CA799606731.

ClinVar aggregate classification (germline): Uncertain significance (1 of 4 stars; one submission).

Conditions:
Autosomal dominant polycystic kidney disease. Identifiers: Orphanet 730, MedGen C0085413, MONDO:0004691.

Allele frequency attached by ClinVar (database versions not stated): TOPMed below 0.00001.

Submission:

Labcorp Genetics (formerly Invitae), Labcorp
Classification: Uncertain significance for Autosomal dominant polycystic kidney disease. Last evaluated: 2023-11-27. Review status: criteria provided, single submitter. Criteria: Invitae Variant Classification Sherloc (09022015). Collection method: clinical testing. Allele origin: germline.
Comment: This sequence change falls in intron 13 of the PKD2 gene. It does not directly change the encoded amino acid sequence of the PKD2 protein. It affects a nucleotide within the consensus splice site. This variant is not present in population databases (gnomAD no frequency). This variant has not been reported in the literature in individuals affected with PKD2-related conditions. Variants that disrupt the consensus splice site are a relatively common cause of aberrant splicing (PMID: 17576681, 9536098). Algorithms developed to predict the effect of sequence changes on RNA splicing suggest that this variant is not likely to affect RNA splicing. In summary, the available evidence is currently insufficient to determine the role of this variant in disease. Therefore, it has been classified as a Variant of Uncertain Significance.

Literature cited by the submitters: PubMed 17576681; PubMed 9536098.